The following is an entry in ClinVar:

ClinVar aggregate classification (germline): Uncertain significance (1 of 4 stars; one submission).

Conditions:
Bloom syndrome (BLM). Also called: Bloom-Torre-Machacek syndrome. Identifiers: Orphanet 125, MedGen C0005859, MONDO:0008876, OMIM 210900.

gnomAD v4.1: 2 of 1,613,906 alleles (0.00012%); highest among the groups gnomAD compares: Non-Finnish European, 0.000085%; no homozygotes.

Submission:

Labcorp Genetics (formerly Invitae), Labcorp
Classification: Uncertain significance for Bloom syndrome. Last evaluated: 2024-11-27. Review status: criteria provided, single submitter. Criteria: Invitae Variant Classification Sherloc (09022015). Collection method: clinical testing. Allele origin: germline.
Comment: This sequence change replaces leucine, which is neutral and non-polar, with phenylalanine, which is neutral and non-polar, at codon 341 of the BLM protein (p.Leu341Phe). This variant is not present in population databases (gnomAD no frequency). This variant has not been reported in the literature in individuals affected with BLM-related conditions. ClinVar contains an entry for this variant (Variation ID: 1464262). Invitae Evidence Modeling of protein sequence and biophysical properties (such as structural, functional, and spatial information, amino acid conservation, physicochemical variation, residue mobility, and thermodynamic stability) indicates that this missense variant is not expected to disrupt BLM protein function with a negative predictive value of 80%. In summary, the available evidence is currently insufficient to determine the role of this variant in disease. Therefore, it has been classified as a Variant of Uncertain Significance.

NM_000057.4(BLM):c.1021C>T (p.Leu341Phe)

Gene: BLM (BLM RecQ like helicase; plus strand). Cytogenetic location: 15q26.1.
Variant type: single nucleotide variant.
Coding change: c.1021C>T on transcript NM_000057.4 (MANE Select); coding-DNA position 1021, C replaced by T.
Protein change: p.Leu341Phe; replaces leucine 341 with phenylalanine.
Molecular consequence: missense variant. On other transcripts: 5 prime UTR variant (1).
Genome position (GRCh38, 1-based): chr15:90,754,872, C>T. VCF-style: chr15-90754872-C-T. GRCh37 (hg19) VCF-style: chr15-91298102-C-T.
Other names: c.1021C>T, p.Leu341Phe (NM_001287246.2, NM_001287247.2); c.-271C>T (NM_001287248.2); short protein forms L341F.
Identifiers: ClinVar variation 1464262 (VCV001464262.5), dbSNP rs2151152210, ClinGen allele CA393842118.